The following is an entry in ClinVar:

NM_000295.5(SERPINA1):c.1065+10C>T

Gene: SERPINA1 (serpin family A member 1; minus strand). Cytogenetic location: 14q32.13.
Variant type: single nucleotide variant.
Coding change: c.1065+10C>T on transcript NM_000295.5 (MANE Select); 10 bases into the intron after coding-DNA position 1065, C replaced by T.
Molecular consequence: intron variant.
Genome position (GRCh38, 1-based): chr14:94,379,454, G>A on the plus strand (C>T on the coding strand, the complement: SERPINA1 is on the minus strand). VCF-style: chr14-94379454-G-A. GRCh37 (hg19) VCF-style: chr14-94845791-G-A.
Other names: p.?; c.1065+10C>T (NM_001002235.3, NM_001127707.2, NM_001127706.2 and 7 more transcripts).
Identifiers: ClinVar variation 499250 (VCV000499250.18), dbSNP rs56388024, ClinGen allele CA7327323.
Genomic context (GRCh38, chr14:94,379,454, plus strand): 5'-AGAGCTGCAGCCCCCACACATTCTTCCCTACAGATACCAGGGTGCAACAAGGTCGTCAGG[G>A]TGATCTCACCTTGGAGAGCTTCAGGGGTGCCTCCTCTGTGACCCCGGAGAGGTCAGCCCC-3'

ClinVar aggregate classification (germline): Conflicting classifications of pathogenicity. Review status: criteria provided, conflicting classifications (1 of 4 stars). 4 submissions from 4 submitters: Uncertain significance (1); Likely benign (2). 1 of the submissions does not count toward it. Last evaluated 2025-08-14.

Conditions:
SERPINA1-related disorder. Also called: SerpinA1-related disorders; SERPINA1-related condition.
Alpha-1-antitrypsin deficiency (A1ATD). Also called: AAT deficiency; A1AT deficiency; Alpha1-Antitrypsin Deficiency. Identifiers: Orphanet 60, MedGen C0221757, MONDO:0013282, OMIM 613490.

Allele frequency attached by ClinVar (database versions not stated): gnomAD 0.00001 and 0.00005; gnomAD exomes 0.00008; ExAC 0.00009; 1000 Genomes Project 30x 0.00047; 1000 Genomes Project 0.00060.
gnomAD v4.1: 40 of 1,614,096 alleles (0.0025%); highest among the groups gnomAD compares: East Asian, 0.042%; no homozygotes.

Submissions (4):

Mayo Clinic Laboratories, Mayo Clinic
Classification: Likely benign. Last evaluated: 2025-08-14. Review status: criteria provided, single submitter. Criteria: ACMG Guidelines, 2015. Collection method: clinical testing. Allele origin: germline. Observed: 1 variant allele.
Comment: BP4, BP7

Labcorp Genetics (formerly Invitae), Labcorp
Classification: Likely benign for Alpha-1-antitrypsin deficiency. Last evaluated: 2024-05-15. Review status: criteria provided, single submitter. Criteria: Invitae Variant Classification Sherloc (09022015). Collection method: clinical testing. Allele origin: germline.

Eurofins Ntd Llc (ga)
Classification: Uncertain significance. Last evaluated: 2018-03-29. Review status: criteria provided, single submitter. Criteria: EGL ClinVar v180209 classification definitions. Collection method: clinical testing. Allele origin: germline. Observed: 3 variant alleles, 3 heterozygotes.

PreventionGenetics, part of Exact Sciences
Classification: Likely benign for SERPINA1-related condition. Last evaluated: 2023-03-28. Review status: no assertion criteria provided. Collection method: clinical testing. Allele origin: germline. Not counted in ClinVar's aggregate classification.
Comment: This variant is classified as likely benign based on ACMG/AMP sequence variant interpretation guidelines (Richards et al. 2015 PMID: 25741868, with internal and published modifications).

Literature cited by the submitters: PubMed 40359317 (cited by Mayo Clinic Laboratories, Mayo Clinic).